The following is an entry in ClinVar:

ClinVar aggregate classification (germline): Uncertain significance (1 of 4 stars; one submission).

Conditions:
Familial isolated arrhythmogenic right ventricular dysplasia. Identifiers: Orphanet 217656, MedGen C4274968, MONDO:0016342.

Submission:

All of Us Research Program, National Institutes of Health
Classification: Uncertain significance for Familial isolated arrhythmogenic right ventricular dysplasia. Last evaluated: 2023-12-01. Review status: criteria provided, single submitter. Criteria: ACMG Guidelines, 2015. Collection method: clinical testing. Allele origin: germline. Inheritance: Autosomal dominant inheritance. Observed: 1 variant allele, 1 heterozygote.
Comment: This study involves interpretation of variants in research participants for the purpose of population health screening. Participant phenotype was not available at the time of variant classification. Additional details can be found in publication PMID: 35346344, PMCID: PMC8962531

NM_024422.6(DSC2):c.482C>T (p.Ser161Phe)

Gene: DSC2 (desmocollin 2; minus strand). Cytogenetic location: 18q12.1.
Variant type: single nucleotide variant.
Coding change: c.482C>T on transcript NM_024422.6 (MANE Select); coding-DNA position 482, C replaced by T.
Protein change: p.Ser161Phe; replaces serine 161 with phenylalanine.
Molecular consequence: missense variant.
Genome position (GRCh38, 1-based): chr18:31,089,587, G>A on the plus strand (C>T on the coding strand, the complement: DSC2 is on the minus strand). VCF-style: chr18-31089587-G-A. GRCh37 (hg19) VCF-style: chr18-28669550-G-A.
Other names: c.53C>T, p.Ser18Phe (NM_001406506.1, NM_001406507.1); c.482C>T, p.Ser161Phe (NM_004949.5); short protein forms S161F, S18F.
Identifiers: ClinVar variation 3074185 (VCV003074185.1), dbSNP rs2510953929, ClinGen allele CA402113861.
Genomic context (GRCh38, chr18:31,089,587, plus strand): 5'-TCTTGGTCAACTCCAGGACCTCTTATGGAATAGTATATGGTATAGTTTTGGGCCGTGTCA[G>A]ATTGAACCTAGAAAGTAGATATTATATACATGAGACAAATCTTTATTTCAGCAGAGCTTT-3'
Protein context (NP_077740.1, residues 151-171): PFPLFLQQVQ[Ser161Phe]DTAQNYTIYY